The following is an entry in ClinVar:

ClinVar aggregate classification (germline): Uncertain significance. Review status: criteria provided, multiple submitters, no conflicts (2 of 4 stars). 2 submissions from 2 submitters: Uncertain significance (2). Last evaluated 2026-02-15.

Conditions:
Hereditary cancer-predisposing syndrome. Also called: Hereditary neoplastic syndrome; Tumor predisposition; Neoplastic Syndromes, Hereditary; Hereditary Cancer Syndrome. Identifiers: Orphanet 140162, MedGen C0027672, MeSH D009386, MONDO:0015356.
Ataxia-telangiectasia syndrome (AT). Also called: Ataxia telangiectasia (A-T); Cerebello-oculocutaneous telangiectasia; Immunodeficiency with ataxia telangiectasia; Ataxia-telangiectasia, complementation group D; AT, COMPLEMENTATION GROUP C; ATAXIA-TELANGIECTASIA, COMPLEMENTATION GROUP A. Identifiers: Orphanet 100, MedGen C0004135, MONDO:0008840, OMIM 208900.

Submissions (2):

Ambry Genetics
Classification: Uncertain significance for Hereditary cancer-predisposing syndrome. Last evaluated: 2026-02-15. Review status: criteria provided, single submitter. Criteria: Ambry Variant Classification Scheme 2023. Collection method: clinical testing. Allele origin: germline.
Comment: The p.Q286P variant (also known as c.857A>C), located in coding exon 6 of the ATM gene, results from an A to C substitution at nucleotide position 857. The glutamine at codon 286 is replaced by proline, an amino acid with similar properties. This amino acid position is conserved. In addition, the in silico prediction for this alteration is inconclusive. Based on the available evidence, the clinical significance of this variant remains unclear.

Labcorp Genetics (formerly Invitae), Labcorp
Classification: Uncertain significance for Ataxia-telangiectasia syndrome. Last evaluated: 2024-01-19. Review status: criteria provided, single submitter. Criteria: Invitae Variant Classification Sherloc (09022015). Collection method: clinical testing. Allele origin: germline.
Comment: This sequence change replaces glutamine, which is neutral and polar, with proline, which is neutral and non-polar, at codon 286 of the ATM protein (p.Gln286Pro). This variant is not present in population databases (gnomAD no frequency). This variant has not been reported in the literature in individuals affected with ATM-related conditions. ClinVar contains an entry for this variant (Variation ID: 1366558). An algorithm developed to predict the effect of missense changes on protein structure and function (PolyPhen-2) suggests that this variant is likely to be disruptive. In summary, the available evidence is currently insufficient to determine the role of this variant in disease. Therefore, it has been classified as a Variant of Uncertain Significance.

NM_000051.4(ATM):c.857A>C (p.Gln286Pro)

Gene: ATM (ATM serine/threonine kinase; plus strand). Cytogenetic location: 11q22.3.
Variant type: single nucleotide variant.
Coding change: c.857A>C on transcript NM_000051.4 (MANE Select); coding-DNA position 857, A replaced by C.
Protein change: p.Gln286Pro; replaces glutamine 286 with proline.
Molecular consequence: missense variant.
Genome position (GRCh38, 1-based): chr11:108,244,982, A>C. VCF-style: chr11-108244982-A-C. GRCh37 (hg19) VCF-style: chr11-108115709-A-C.
Other names: c.857A>C, p.Gln286Pro (NM_001351834.2); c.857A>C (NM_000051.3); short protein forms Q286P.
Identifiers: ClinVar variation 1366558 (VCV001366558.9), dbSNP rs1591504622, ClinGen allele CA382529492.